The following is an entry in ClinVar:

NM_003072.5(SMARCA4):c.724C>T (p.Pro242Ser)

Gene: SMARCA4 (SWI/SNF related BAF chromatin remodeling complex subunit ATPase 4; plus strand). Cytogenetic location: 19p13.2.
Variant type: single nucleotide variant.
Coding change: c.724C>T on transcript NM_003072.5 (MANE Select); coding-DNA position 724, C replaced by T.
Protein change: p.Pro242Ser; replaces proline 242 with serine.
Molecular consequence: missense variant. On other transcripts: non-coding transcript variant (1).
Genome position (GRCh38, 1-based): chr19:10,986,557, C>T. VCF-style: chr19-10986557-C-T. GRCh37 (hg19) VCF-style: chr19-11097233-C-T.
Other names: c.724C>T, p.Pro242Ser (NM_001128844.3, NM_001128845.2, NM_001128846.2 and 5 more transcripts); short protein forms P242S.
Identifiers: ClinVar variation 537838 (VCV000537838.14), dbSNP rs1555753773, ClinGen allele CA404057184.
Genomic context (GRCh38, chr19:10,986,557, plus strand): 5'-CCACCCTCGGTGTCCGCAACAGGACCCGGCCCTGGCCCTGGCCCTGGCCCCGGCCCGGGT[C>T]CCGGCCCGGCACCTCCAAATTACAGCAGGCCTCATGGTAAGACTGGCTGCCCTGGCCCTC-3'
Protein context (NP_003063.2, residues 232-252): PGPGPGPGPG[Pro242Ser]GPAPPNYSRP

ClinVar aggregate classification (germline): Conflicting classifications of pathogenicity. Review status: criteria provided, conflicting classifications (1 of 4 stars). 3 submissions from 3 submitters: Uncertain significance (2); Likely benign (1). Last evaluated 2024-10-15.

Conditions:
Hereditary cancer-predisposing syndrome. Also called: Tumor predisposition; Hereditary Cancer Syndrome; Hereditary neoplastic syndrome; Neoplastic Syndromes, Hereditary. Identifiers: Orphanet 140162, MedGen C0027672, MeSH D009386, MONDO:0015356.
Intellectual disability, autosomal dominant 16 (CSS4). Also called: COFFIN-SIRIS SYNDROME 4. Identifiers: Orphanet 1465, MedGen C3553249, MONDO:0013821, OMIM 614609.
Rhabdoid tumor predisposition syndrome 2 (RTPS2). Identifiers: Orphanet 231108, Orphanet 69077, MedGen C2750074, MONDO:0013224, OMIM 613325.

Allele frequency attached by ClinVar (database versions not stated): gnomAD exomes below 0.00001.
gnomAD v4.1: 1 of 1,538,088 alleles (0.000065%); highest among the groups gnomAD compares: African/African-American, 0.0014%; no homozygotes.

Submissions (3):

Ambry Genetics
Classification: Likely benign for Hereditary cancer-predisposing syndrome. Last evaluated: 2024-10-15. Review status: criteria provided, single submitter. Criteria: Ambry Variant Classification Scheme 2023. Collection method: clinical testing. Allele origin: germline.

Labcorp Genetics (formerly Invitae), Labcorp
Classification: Uncertain significance for Rhabdoid tumor predisposition syndrome 2. Last evaluated: 2023-08-17. Review status: criteria provided, single submitter. Criteria: Invitae Variant Classification Sherloc (09022015). Collection method: clinical testing. Allele origin: germline.
Comment: In summary, the available evidence is currently insufficient to determine the role of this variant in disease. Therefore, it has been classified as a Variant of Uncertain Significance. Advanced modeling of protein sequence and biophysical properties (such as structural, functional, and spatial information, amino acid conservation, physicochemical variation, residue mobility, and thermodynamic stability) performed at Invitae indicates that this missense variant is not expected to disrupt SMARCA4 protein function. ClinVar contains an entry for this variant (Variation ID: 537838). This variant has not been reported in the literature in individuals affected with SMARCA4-related conditions. This variant is not present in population databases (gnomAD no frequency). This sequence change replaces proline, which is neutral and non-polar, with serine, which is neutral and polar, at codon 242 of the SMARCA4 protein (p.Pro242Ser).

Genome-Nilou Lab
Classification: Uncertain significance for Intellectual disability, autosomal dominant 16. Last evaluated: 2021-07-15. Review status: criteria provided, single submitter. Criteria: ACMG Guidelines, 2015. Collection method: clinical testing. Allele origin: germline. Affected: no.